The following is an entry in ClinVar:

NM_030632.3(ASXL3):c.336C>T (p.Ala112=)

Gene: ASXL3 (ASXL transcriptional regulator 3; plus strand). Cytogenetic location: 18q12.1.
Variant type: single nucleotide variant.
Coding change: c.336C>T on transcript NM_030632.3 (MANE Select); coding-DNA position 336, C replaced by T.
Protein change: p.Ala112=; no amino-acid change (alanine 112 retained).
Molecular consequence: synonymous variant.
Genome position (GRCh38, 1-based): chr18:33,646,334, C>T. VCF-style: chr18-33646334-C-T. GRCh37 (hg19) VCF-style: chr18-31226298-C-T.
Identifiers: ClinVar variation 2648638 (VCV002648638.24), dbSNP rs185064410, ClinGen allele CA8933511.

ClinVar aggregate classification (germline): Likely benign (1 of 4 stars; one submission).

Allele frequency attached by ClinVar (database versions not stated): ExAC 0.00002; TOPMed 0.00002; gnomAD exomes 0.00003; gnomAD 0.00004; ESP Exome Variant Server 0.00008; 1000 Genomes Project 30x 0.00016; 1000 Genomes Project 0.00020.
gnomAD v4.1: 52 of 1,608,448 alleles (0.0032%); highest among the groups gnomAD compares: Admixed American, 0.0067%; no homozygotes.

Submission:

CeGaT Center for Human Genetics Tuebingen
Classification: Likely benign. Last evaluated: 2023-02-01. Review status: criteria provided, single submitter. Criteria: CeGaT Center For Human Genetics Tuebingen Variant Classification Criteria Version 2. Collection method: clinical testing. Allele origin: germline. Affected: yes. Observed: 1 variant allele.
Comment: ASXL3: BP4, BP7